The following is an entry in ClinVar:

NM_001211.6(BUB1B):c.2676C>T (p.Asn892=)

Gene: BUB1B (BUB1 mitotic checkpoint serine/threonine kinase B; plus strand). Cytogenetic location: 15q15.1.
Variant type: single nucleotide variant.
Coding change: c.2676C>T on transcript NM_001211.6 (MANE Select); coding-DNA position 2676, C replaced by T.
Protein change: p.Asn892=; no amino-acid change (asparagine 892 retained).
Molecular consequence: synonymous variant.
Genome position (GRCh38, 1-based): chr15:40,213,472, C>T. VCF-style: chr15-40213472-C-T. GRCh37 (hg19) VCF-style: chr15-40505673-C-T.
Identifiers: ClinVar variation 4807307 (VCV004807307.1).

ClinVar aggregate classification (germline): Uncertain significance (1 of 4 stars; one submission).

Conditions:
Mosaic variegated aneuploidy syndrome 1 (MVA1). Also called: Warburton-Anyane-Yeboa syndrome. Identifiers: Orphanet 1052, MedGen C1850343, MONDO:0009759, OMIM 257300.

Submission:

Labcorp Genetics (formerly Invitae), Labcorp
Classification: Uncertain significance for Mosaic variegated aneuploidy syndrome 1. Last evaluated: 2025-09-28. Review status: criteria provided, single submitter. Criteria: Invitae Variant Classification Sherloc (09022015). Collection method: clinical testing. Allele origin: germline.
Comment: This sequence change affects codon 892 of the BUB1B mRNA. It is a 'silent' change, meaning that it does not change the encoded amino acid sequence of the BUB1B protein. This variant is not present in population databases (gnomAD no frequency). This variant has not been reported in the literature in individuals affected with BUB1B-related conditions. Algorithms developed to predict the effect of sequence changes on RNA splicing suggest that this variant may disrupt the consensus splice site. In summary, the available evidence is currently insufficient to determine the role of this variant in disease. Therefore, it has been classified as a Variant of Uncertain Significance.